The following is an entry in ClinVar:

ClinVar aggregate classification (germline): Uncertain significance (1 of 4 stars; one submission).

Conditions:
Simpson-Golabi-Behmel syndrome type 1 (SGBS1). Also called: BULLDOG SYNDROME; DYSPLASIA GIGANTISM SYNDROME, X-LINKED; GOLABI-ROSEN SYNDROME; SIMPSON DYSMORPHIA SYNDROME; GPC3-Related Simpson-Golabi-Behmel Syndrome Type 1. Identifiers: Orphanet 373, MedGen C0796154, MONDO:0020602, OMIM 312870.

Submission:

Laboratorio de Biologia Molecular/Medicina Genomica - IFF/Fiocruz, Instituto Fernandes Figueira, Fundacao Oswaldo Cruz
Classification: Uncertain significance for Simpson-Golabi-Behmel syndrome type 1. Last evaluated: 2025-04-02. Review status: criteria provided, single submitter. Criteria: ACMG Guidelines, 2015. Collection method: clinical testing. Allele origin: germline. Affected: yes. Observed: 1 variant allele.
Comment: Variant: c.1401G>T (p.Lys467Asn) in exon 6 of the GPC3 gene. Protein effect: Missense substitution at a moderately conserved residueIn silico tools: Do not predict a deleterious impact. Population database (gnomAD): Absent. Although pathogenic missense variants in GPC3 are rare, two have been functionally characterized (Accession: VCV000011687.2 and VCV000011695.7), demonstrating impairment of protein function by preventing cleavage and proper targeting to the cell surface, respectively (PMID: 19215053, 10814714, 30447178). ACMG/AMP criteria applied: PM2_Supporting.

NM_004484.4(GPC3):c.1401G>T (p.Lys467Asn)

Gene: GPC3 (glypican 3; minus strand). Cytogenetic location: Xq26.2.
Variant type: single nucleotide variant.
Coding change: c.1401G>T on transcript NM_004484.4 (MANE Select); coding-DNA position 1401, G replaced by T.
Protein change: p.Lys467Asn; replaces lysine 467 with asparagine.
Molecular consequence: missense variant.
Genome position (GRCh38, 1-based): chrX:133,661,742, C>A on the plus strand (G>T on the coding strand, the complement: GPC3 is on the minus strand). VCF-style: chrX-133661742-C-A. GRCh37 (hg19) VCF-style: chrX-132795770-C-A.
Other names: c.1470G>T, p.Lys490Asn (NM_001164617.2); c.1353G>T, p.Lys451Asn (NM_001164618.2); c.1239G>T, p.Lys413Asn (NM_001164619.2); short protein forms K413N, K451N, K467N, K490N.
Identifiers: ClinVar variation 4795196 (VCV004795196.1).